The following is an entry in ClinVar:

ClinVar aggregate classification (germline): Uncertain significance (1 of 4 stars; one submission).

Conditions:
Myopathy, proximal, and ophthalmoplegia (CMYO6). Also called: MYOPATHY WITH CONGENITAL JOINT CONTRACTURES, OPHTHALMOPLEGIA, AND RIMMED VACUOLES; INCLUSION BODY MYOPATHY 3, AUTOSOMAL DOMINANT; CONGENITAL MYOPATHY 6 WITH OPHTHALMOPLEGIA. Identifiers: Orphanet 363677, Orphanet 79091, MedGen C1854106, MONDO:0011577, OMIM 605637.

Submission:

Labcorp Genetics (formerly Invitae), Labcorp
Classification: Uncertain significance for Myopathy, proximal, and ophthalmoplegia. Last evaluated: 2025-07-15. Review status: criteria provided, single submitter. Criteria: Invitae Variant Classification Sherloc (09022015). Collection method: clinical testing. Allele origin: germline.
Comment: This variant, c.4868_4870del, results in the deletion of 1 amino acid(s) of the MYH2 protein (p.Lys1623del), but otherwise preserves the integrity of the reading frame. This variant is not present in population databases (gnomAD no frequency). This variant has not been reported in the literature in individuals affected with MYH2-related conditions. Experimental studies and prediction algorithms are not available or were not evaluated, and the functional significance of this variant is currently unknown. In summary, the available evidence is currently insufficient to determine the role of this variant in disease. Therefore, it has been classified as a Variant of Uncertain Significance.

NM_017534.6(MYH2):c.4862AGA[2] (p.Lys1623del)

Genes: MYH2 (myosin heavy chain 2; minus strand), MYHAS (myosin heavy chain gene cluster antisense RNA; plus strand), LOC126862500 (BRD4-independent group 4 enhancer GRCh37_chr17:10427829-10429028; plus strand). Cytogenetic location: 17p13.1.
Variant type: Microsatellite.
Coding change: c.4862AGA[2] on transcript NM_017534.6 (MANE Select); two copies in a row of the 3-base unit AGA starting at c.4862; the reference has three copies in a row; one copy, 3 bases deleted.
Protein change: p.Lys1623del; deletes lysine 1623.
Molecular consequence: inframe deletion.
Genome position (GRCh38, 1-based): chr17:10,524,858-10,524,860, TCT deleted on the plus strand (AGA on the coding strand, the reverse complement: MYH2 is on the minus strand); deleting any 3 consecutive bases within chr17:10,524,858-10,524,867 gives the same sequence; the position shown is the placement nearest the transcript's 3' end. VCF-style (leftmost placement, unchanged base first): chr17-10524857-ATCT-A. GRCh37 (hg19) VCF-style: chr17-10428174-ATCT-A.
Other names: c.4862AGA[2], p.Lys1623del (NM_001100112.2); short protein forms K1623del.
Identifiers: ClinVar variation 4754649 (VCV004754649.1).
Genomic context (GRCh38, chr17:10,524,857, plus strand): 5'-TCAGCAGCCATGCGGTTGGCATGGTTCAGCTGGATTTCCATTTCATTGAGGTCTCCCTCC[ATCT>A]TCTTCTTGAGCCTAATGGCATCATTCCTACTCCTGATCTCAGCATCCAGCGTGCTCTGCA-3'